The following is an entry in ClinVar:

ClinVar aggregate classification (germline): Uncertain significance (1 of 4 stars; one submission).

Submission:

Labcorp Genetics (formerly Invitae), Labcorp
Classification: Uncertain significance. Last evaluated: 2024-11-07. Review status: criteria provided, single submitter. Criteria: Invitae Variant Classification Sherloc (09022015). Collection method: clinical testing. Allele origin: germline.
Comment: This sequence change replaces proline, which is neutral and non-polar, with serine, which is neutral and polar, at codon 452 of the NFIA protein (p.Pro452Ser). This variant is not present in population databases (gnomAD no frequency). This variant has not been reported in the literature in individuals affected with NFIA-related conditions. An algorithm developed to predict the effect of missense changes on protein structure and function (PolyPhen-2) suggests that this variant is likely to be disruptive. In summary, the available evidence is currently insufficient to determine the role of this variant in disease. Therefore, it has been classified as a Variant of Uncertain Significance.

NM_001134673.4(NFIA):c.1354C>T (p.Pro452Ser)

Gene: NFIA (nuclear factor I A; plus strand). Cytogenetic location: 1p31.3.
Variant type: single nucleotide variant.
Coding change: c.1354C>T on transcript NM_001134673.4 (MANE Select); coding-DNA position 1354, C replaced by T.
Protein change: p.Pro452Ser; replaces proline 452 with serine.
Molecular consequence: missense variant.
Genome position (GRCh38, 1-based): chr1:61,406,661, C>T. VCF-style: chr1-61406661-C-T. GRCh37 (hg19) VCF-style: chr1-61872333-C-T.
Other names: c.1330C>T, p.Pro444Ser (NM_001145511.2); c.1489C>T, p.Pro497Ser (NM_001145512.2); c.1354C>T, p.Pro452Ser (NM_005595.5); short protein forms P452S, P444S, P497S.
Identifiers: ClinVar variation 3724827 (VCV003724827.2).
Genomic context (GRCh38, chr1:61,406,661, plus strand): 5'-CTTCCCACCCCAATGTTGCCACCGCCACCGCCACCACCGATGGCCAGGCCTGTGCCTCTG[C>T]CGGTGCCAGACACAAAGCCTCCAACCACGTCAACAGAAGGAGGTGCAGCCTCCCCCACGT-3'
Protein context (NP_001128145.1, residues 442-462): PPPMARPVPL[Pro452Ser]VPDTKPPTTS